The following is an entry in ClinVar:

NM_000742.4(CHRNA2):c.1468A>G (p.Lys490Glu)

Gene: CHRNA2 (cholinergic receptor nicotinic alpha 2 subunit; minus strand). Cytogenetic location: 8p21.2.
Variant type: single nucleotide variant.
Coding change: c.1468A>G on transcript NM_000742.4 (MANE Select); coding-DNA position 1468, A replaced by G.
Protein change: p.Lys490Glu; replaces lysine 490 with glutamic acid.
Molecular consequence: missense variant.
Genome position (GRCh38, 1-based): chr8:27,461,751, T>C on the plus strand (A>G on the coding strand, the complement: CHRNA2 is on the minus strand). VCF-style: chr8-27461751-T-C. GRCh37 (hg19) VCF-style: chr8-27319268-T-C.
Other names: c.1468A>G (NM_000742.3); c.1423A>G, p.Lys475Glu (NM_001282455.2); c.991A>G, p.Lys331Glu (NM_001347705.2, NM_001347706.2); c.874A>G, p.Lys292Glu (NM_001347707.2, NM_001347708.2); short protein forms K292E, K331E, K475E, K490E.
Identifiers: ClinVar variation 1006054 (VCV001006054.7), dbSNP rs773515773, ClinGen allele CA4689421.

ClinVar aggregate classification (germline): Conflicting classifications of pathogenicity. Review status: criteria provided, conflicting classifications (1 of 4 stars). 2 submissions from 2 submitters: Uncertain significance (1); Likely benign (1). Last evaluated 2024-09-03.

Conditions:
Familial sleep-related hypermotor epilepsy. Also called: Autosomal Dominant Sleep-Related Hypermotor (Hyperkinetic) Epilepsy. Identifiers: Orphanet 98784, MedGen C3696898, MONDO:0000030.
Inborn genetic diseases. Identifiers: MedGen C0950123, MeSH D030342.

Allele frequency attached by ClinVar (database versions not stated): gnomAD 0.00001; gnomAD exomes 0.00001 and 0.00002; TOPMed 0.00001; ExAC 0.00002.

Submissions (2):

Labcorp Genetics (formerly Invitae), Labcorp
Classification: Uncertain significance. Last evaluated: 2024-09-03. Review status: criteria provided, single submitter. Criteria: Invitae Variant Classification Sherloc (09022015). Collection method: clinical testing. Allele origin: germline.
Comment: This sequence change replaces lysine, which is basic and polar, with glutamic acid, which is acidic and polar, at codon 490 of the CHRNA2 protein (p.Lys490Glu). This variant is present in population databases (rs773515773, gnomAD 0.01%). This variant has not been reported in the literature in individuals affected with CHRNA2-related conditions. ClinVar contains an entry for this variant (Variation ID: 1006054). Invitae Evidence Modeling of protein sequence and biophysical properties (such as structural, functional, and spatial information, amino acid conservation, physicochemical variation, residue mobility, and thermodynamic stability) indicates that this missense variant is not expected to disrupt CHRNA2 protein function with a negative predictive value of 80%. In summary, the available evidence is currently insufficient to determine the role of this variant in disease. Therefore, it has been classified as a Variant of Uncertain Significance.

Ambry Genetics
Classification: Likely benign for Inborn genetic diseases. Last evaluated: 2023-04-04. Review status: criteria provided, single submitter. Criteria: Ambry Variant Classification Scheme 2023. Collection method: clinical testing. Allele origin: germline.